The following is an entry in ClinVar:

NM_198904.4(GABRG2):c.1357del (p.Ala453fs)

Gene: GABRG2 (gamma-aminobutyric acid type A receptor subunit gamma2; plus strand). Cytogenetic location: 5q34.
Variant type: Deletion.
Coding change: c.1357del on transcript NM_198904.4 (MANE Select); coding-DNA position 1357, one base deleted (G; older notation c.1357delG).
Protein change: p.Ala453fs; shifts the reading frame from alanine 453.
Molecular consequence: frameshift variant. On other transcripts: 3 prime UTR variant (1).
Genome position (GRCh38, 1-based): chr5:162,153,297, G deleted. VCF-style (leftmost placement, unchanged base first): chr5-162153296-TG-T. GRCh37 (hg19) VCF-style: chr5-161580302-TG-T.
Other names: c.1333del, p.Ala445fs (NM_000816.3); c.1348del, p.Ala450fs (NM_001375339.1); c.*191del (NM_001375340.1); c.1354del, p.Ala452fs (NM_001375341.1); c.1330del, p.Ala444fs (NM_001375342.1); c.1453del, p.Ala485fs (NM_001375343.1); c.1396del, p.Ala466fs (NM_001375344.1); c.1267del, p.Ala423fs (NM_001375345.1); and 6 more; short protein forms A305fs, A313fs, A350fs, A424fs, A431fs, A466fs, A444fs, A423fs.
Identifiers: ClinVar variation 2954033 (VCV002954033.3), dbSNP rs2532775816, ClinGen allele CA2740094179.

ClinVar aggregate classification (germline): Uncertain significance (1 of 4 stars; one submission).

Conditions:
EPILEPSY, CHILDHOOD ABSENCE, SUSCEPTIBILITY TO, 2 (ECA2). Identifiers: Orphanet 64280, MedGen C1843244, OMIM 607681.
Febrile seizures, familial, 8 (FEB8). Also called: CONVULSIONS, FAMILIAL FEBRILE, 8. Identifiers: Orphanet 36387, MedGen C1969810, MONDO:0011891, OMIM 607681.

Submission:

Labcorp Genetics (formerly Invitae), Labcorp
Classification: Uncertain significance for Febrile seizures, familial, 8; EPILEPSY, CHILDHOOD ABSENCE, SUSCEPTIBILITY TO, 2. Last evaluated: 2023-11-19. Review status: criteria provided, single submitter. Criteria: Invitae Variant Classification Sherloc (09022015). Collection method: clinical testing. Allele origin: germline.
Comment: This sequence change results in a frameshift in the GABRG2 gene (p.Ala445Leufs*50). While this is not anticipated to result in nonsense mediated decay, it is expected to disrupt the last 23 amino acid(s) of the GABRG2 protein and extend the protein by 26 additional amino acid residues. This variant is not present in population databases (gnomAD no frequency). This variant has not been reported in the literature in individuals affected with GABRG2-related conditions. This variant disrupts a region of the GABRG2 protein in which other variant(s) (p.Asn457Tyr) have been observed in individuals with GABRG2-related conditions (Invitae). This suggests that this is a clinically significant region of the protein, and that variants that disrupt it are likely to be disease-causing. In summary, the available evidence is currently insufficient to determine the role of this variant in disease. Therefore, it has been classified as a Variant of Uncertain Significance.